The following is an entry in ClinVar:

NM_203446.3(SYNJ1):c.*678C>G

Gene: SYNJ1 (synaptojanin 1; minus strand). Cytogenetic location: 21q22.11.
Variant type: single nucleotide variant.
Coding change: c.*678C>G on transcript NM_203446.3 (MANE Select); 678 bases downstream of the stop codon, C replaced by G.
Molecular consequence: 3 prime UTR variant. On other transcripts: missense variant (2).
Genome position (GRCh38, 1-based): chr21:32,631,127, G>C on the plus strand (C>G on the coding strand, the complement: SYNJ1 is on the minus strand). VCF-style: chr21-32631127-G-C. GRCh37 (hg19) VCF-style: chr21-34003437-G-C.
Other names: c.*678C>G (NM_001160302.2); c.4449C>G, p.Phe1483Leu (NM_001160306.2); c.4707C>G, p.Phe1569Leu (NM_003895.4); short protein forms F1569L, F1483L.
Identifiers: ClinVar variation 662893 (VCV000662893.7), dbSNP rs760299495, ClinGen allele CA10003067.

ClinVar aggregate classification (germline): Uncertain significance. Review status: criteria provided, multiple submitters, no conflicts (2 of 4 stars). 3 submissions from 3 submitters: Uncertain significance (3). Last evaluated 2023-10-03.

Conditions:
Developmental and epileptic encephalopathy, 53. Also called: Epileptic encephalopathy, early infantile, 53. Identifiers: MedGen C4479313, MONDO:0033362, OMIM 617389.
Early-onset Parkinson disease 20. Also called: PARKINSON DISEASE 20, AUTOSOMAL RECESSIVE EARLY-ONSET. Identifiers: Orphanet 391411, MedGen C3809824, MONDO:0014233, OMIM 615530.
Inborn genetic diseases. Identifiers: MedGen C0950123, MeSH D030342.

Allele frequency attached by ClinVar (database versions not stated): ExAC 0.00003.
gnomAD v4.1: 20 of 1,613,918 alleles (0.0012%); highest among the groups gnomAD compares: South Asian, 0.019%; no homozygotes.

Submissions (3):

Labcorp Genetics (formerly Invitae), Labcorp
Classification: Uncertain significance for Developmental and epileptic encephalopathy, 53; Early-onset Parkinson disease 20. Last evaluated: 2023-10-03. Review status: criteria provided, single submitter. Criteria: Invitae Variant Classification Sherloc (09022015). Collection method: clinical testing. Allele origin: germline.
Comment: This sequence change replaces phenylalanine, which is neutral and non-polar, with leucine, which is neutral and non-polar, at codon 1569 of the SYNJ1 protein (p.Phe1569Leu). This variant is present in population databases (rs760299495, gnomAD 0.03%). This variant has not been reported in the literature in individuals affected with SYNJ1-related conditions. ClinVar contains an entry for this variant (Variation ID: 662893). Algorithms developed to predict the effect of missense changes on protein structure and function output the following: SIFT: "Not Available"; PolyPhen-2: "Benign"; Align-GVGD: "Not Available". The leucine amino acid residue is found in multiple mammalian species, which suggests that this missense change does not adversely affect protein function. In summary, the available evidence is currently insufficient to determine the role of this variant in disease. Therefore, it has been classified as a Variant of Uncertain Significance.

GeneDx
Classification: Uncertain significance. Last evaluated: 2022-04-21. Review status: criteria provided, single submitter. Criteria: GeneDx Variant Classification Process June 2021. Collection method: clinical testing. Allele origin: germline. Affected: yes.
Comment: In silico analysis supports that this missense variant does not alter protein structure/function; Has not been previously published as pathogenic or benign to our knowledge

Ambry Genetics
Classification: Uncertain significance for Inborn genetic diseases. Last evaluated: 2022-01-27. Review status: criteria provided, single submitter. Criteria: Ambry Variant Classification Scheme 2023. Collection method: clinical testing. Allele origin: germline.